The following is an entry in ClinVar:

ClinVar aggregate classification (germline): Pathogenic (1 of 4 stars; one submission).

Submission:

Labcorp Genetics (formerly Invitae), Labcorp
Classification: Pathogenic. Last evaluated: 2025-05-14. Review status: criteria provided, single submitter. Criteria: Invitae Variant Classification Sherloc (09022015). Collection method: clinical testing. Allele origin: germline.
Comment: This sequence change creates a premature translational stop signal (p.Gln1325Ilefs*31) in the CACNA1B gene. It is expected to result in an absent or disrupted protein product. Loss-of-function variants in CACNA1B are known to be pathogenic (PMID: 30982612). This variant is not present in population databases (gnomAD no frequency). This variant has not been reported in the literature in individuals affected with CACNA1B-related conditions. ClinVar contains an entry for this variant (Variation ID: 3641830). For these reasons, this variant has been classified as Pathogenic.

Literature cited by the submitters: PubMed 30982612.

NM_000718.4(CACNA1B):c.3973_3976del (p.Gln1325fs)

Gene: CACNA1B (calcium voltage-gated channel subunit alpha1 B; plus strand). Cytogenetic location: 9q34.3.
Variant type: Deletion.
Coding change: c.3973_3976del on transcript NM_000718.4 (MANE Select); coding-DNA positions 3973 to 3976, 4 bases deleted (CAGT; older notation c.3973_3976delCAGT).
Protein change: p.Gln1325fs; shifts the reading frame from glutamine 1325.
Molecular consequence: frameshift variant.
Genome position (GRCh38, 1-based): chr9:138,057,736-138,057,739, CAGT deleted; deleting any 4 consecutive bases within chr9:138,057,734-138,057,739 gives the same sequence; the c. name uses the placement nearest the transcript's 3' end. VCF-style (leftmost placement, unchanged base first): chr9-138057733-GGTCA-G. GRCh37 (hg19) VCF-style: chr9-140952185-GGTCA-G.
Other names: c.3973_3976del, p.Gln1325fs (NM_001243812.2); short protein forms Q1325fs.
Identifiers: ClinVar variation 3641830 (VCV003641830.2).